The following is an entry in ClinVar:

ClinVar aggregate classification (germline): Likely pathogenic (1 of 4 stars; one submission).

Conditions:
Familial hyperparathyroidism or Hypocalciuric hypercalcaemia.

gnomAD v4.1: 1 of 1,614,190 alleles (0.000062%); highest among the groups gnomAD compares: Non-Finnish European, 0.000085%; no homozygotes.

Submission:

Cambridge Genomics Laboratory, East Genomic Laboratory Hub, NHS Genomic Medicine Service
Classification: Likely pathogenic for Familial hyperparathyroidism or Hypocalciuric hypercalcaemia. Last evaluated: 2024-12-19. Review status: criteria provided, single submitter. Criteria: ACGS Best Practice Guidelines for Variant Classification in Rare Disease 2020. Collection method: clinical testing. Allele origin: germline. Affected: yes.
Comment: PVS1,PM2_Supporting

NM_000388.4(CASR):c.925C>T (p.Gln309Ter)

Gene: CASR (calcium sensing receptor; plus strand). Cytogenetic location: 3q21.1.
Variant type: single nucleotide variant.
Coding change: c.925C>T on transcript NM_000388.4 (MANE Select); coding-DNA position 925, C replaced by T.
Protein change: p.Gln309Ter; replaces glutamine 309 with a stop codon.
Molecular consequence: nonsense.
Genome position (GRCh38, 1-based): chr3:122,261,960, C>T. VCF-style: chr3-122261960-C-T. GRCh37 (hg19) VCF-style: chr3-121980807-C-T.
Other names: c.925C>T, p.Gln309Ter (NM_001178065.2); short protein forms Q309*.
Identifiers: ClinVar variation 4682113 (VCV004682113.1).